The following is an entry in ClinVar:

NM_014804.3(KIAA0753):c.334C>G (p.Gln112Glu)

Gene: KIAA0753 (KIAA0753; minus strand). Cytogenetic location: 17p13.1.
Variant type: single nucleotide variant.
Coding change: c.334C>G on transcript NM_014804.3 (MANE Select); coding-DNA position 334, C replaced by G.
Protein change: p.Gln112Glu; replaces glutamine 112 with glutamic acid.
Molecular consequence: missense variant. On other transcripts: non-coding transcript variant (3), 5 prime UTR variant (1).
Genome position (GRCh38, 1-based): chr17:6,628,501, G>C on the plus strand (C>G on the coding strand, the complement: KIAA0753 is on the minus strand). VCF-style: chr17-6628501-G-C. GRCh37 (hg19) VCF-style: chr17-6531821-G-C.
Other names: c.-901C>G (NM_001351225.2); short protein forms Q112E.
Identifiers: ClinVar variation 1444479 (VCV001444479.4), dbSNP rs756928654, ClinGen allele CA8330783.

ClinVar aggregate classification (germline): Uncertain significance (1 of 4 stars; one submission).

Allele frequency attached by ClinVar (database versions not stated): TOPMed 0.00002; ExAC 0.00003; gnomAD exomes 0.00003.
gnomAD v4.1: 9 of 1,614,156 alleles (0.00056%); highest among the groups gnomAD compares: Admixed American, 0.015%; no homozygotes.

Submission:

Labcorp Genetics (formerly Invitae), Labcorp
Classification: Uncertain significance. Last evaluated: 2022-04-19. Review status: criteria provided, single submitter. Criteria: Invitae Variant Classification Sherloc (09022015). Collection method: clinical testing. Allele origin: germline.
Comment: This sequence change replaces glutamine, which is neutral and polar, with glutamic acid, which is acidic and polar, at codon 112 of the KIAA0753 protein (p.Gln112Glu). This variant is present in population databases (rs756928654, gnomAD 0.02%). This variant has not been reported in the literature in individuals affected with KIAA0753-related conditions. Algorithms developed to predict the effect of missense changes on protein structure and function are either unavailable or do not agree on the potential impact of this missense change (SIFT: "Deleterious"; PolyPhen-2: "Benign"; Align-GVGD: "Class C0"). In summary, the available evidence is currently insufficient to determine the role of this variant in disease. Therefore, it has been classified as a Variant of Uncertain Significance.